The following is an entry in ClinVar:

ClinVar aggregate classification (germline): Likely pathogenic (1 of 4 stars; one submission).

Conditions:
Neurodevelopmental disorder with epilepsy and hypoplasia of the corpus callosum. Identifiers: MedGen C4748137, MONDO:0060761, OMIM 618090.

Allele frequency attached by ClinVar (database versions not stated): gnomAD 0.00001.

Submission:

Laboratorio de Genetica e Diagnostico Molecular, Hospital Israelita Albert Einstein
Classification: Likely pathogenic for Neurodevelopmental disorder with epilepsy and hypoplasia of the corpus callosum. Last evaluated: 2022-10-31. Review status: criteria provided, single submitter. Criteria: ACMG Guidelines, 2015. Collection method: clinical testing. Allele origin: germline. Affected: yes. Observed: 1 variant allele.
Comment: ACMG classification criteria: PVS1 very strong, PM2 moderated

NM_030650.3(LNPK):c.901dup (p.Cys301fs)

Gene: LNPK (lunapark, ER junction formation factor; minus strand). Cytogenetic location: 2q31.1.
Variant type: Duplication.
Coding change: c.901dup on transcript NM_030650.3 (MANE Select); coding-DNA position 901, one base duplicated (T; older notation c.901dupT).
Protein change: p.Cys301fs; shifts the reading frame from cysteine 301.
Molecular consequence: frameshift variant. On other transcripts: non-coding transcript variant (1).
Genome position (GRCh38, 1-based): chr2:175,937,497, A duplicated on the plus strand (T on the coding strand, the reverse complement: LNPK is on the minus strand). VCF-style (leftmost placement, unchanged base first): chr2-175937496-C-CA. GRCh37 (hg19) VCF-style: chr2-176802224-C-CA.
Other names: c.1099dup, p.Cys367fs (NM_001305008.1); c.994dup, p.Cys332fs (NM_001305009.1); c.907dup, p.Cys303fs (NM_001305010.1); c.532dup, p.Cys178fs (NM_001305011.2); short protein forms C178fs, C301fs, C303fs, C332fs, C367fs.
Identifiers: ClinVar variation 2431477 (VCV002431477.1), dbSNP rs1322819699, ClinGen allele CA537940268.